The following is an entry in ClinVar:

NM_001042545.2(LTBP4):c.1273C>G (p.Arg425Gly)

Gene: LTBP4 (latent transforming growth factor beta binding protein 4; plus strand). Cytogenetic location: 19q13.2.
Variant type: single nucleotide variant.
Coding change: c.1273C>G on transcript NM_001042545.2 (MANE Select); coding-DNA position 1273, C replaced by G.
Protein change: p.Arg425Gly; replaces arginine 425 with glycine.
Molecular consequence: missense variant.
Genome position (GRCh38, 1-based): chr19:40,608,336, C>G. VCF-style: chr19-40608336-C-G. GRCh37 (hg19) VCF-style: chr19-41114242-C-G.
Other names: c.1474C>G, p.Arg492Gly (NM_001042544.1); c.1363C>G, p.Arg455Gly (NM_003573.2); short protein forms R425G, R455G, R492G.
Identifiers: ClinVar variation 2055605 (VCV002055605.5), dbSNP rs774856912, ClinGen allele CA9448236.
Genomic context (GRCh38, chr19:40,608,336, plus strand): 5'-CTCCGCTACAACACCAGACCCCTGGGCCAGGAGCCACCCCGAGTGTCACTCAGCCAGCCT[C>G]GTACCCTGCCAGCCACCTCTCGGCCATCTGCAGGTGAGCTGGCTCTGGCAGAAGTGGGTG-3'
Protein context (NP_001036010.1, residues 415-435): EPPRVSLSQP[Arg425Gly]TLPATSRPSA

ClinVar aggregate classification (germline): Uncertain significance. Review status: criteria provided, multiple submitters, no conflicts (2 of 4 stars). 2 submissions from 2 submitters: Uncertain significance (2). Last evaluated 2025-03-31.

Conditions:
Inborn genetic diseases. Identifiers: MedGen C0950123, MeSH D030342.

Allele frequency attached by ClinVar (database versions not stated): ExAC 0.00001.
gnomAD v4.1: 11 of 1,613,560 alleles (0.00068%); highest among the groups gnomAD compares: Non-Finnish European, 0.00093%; no homozygotes.

Submissions (2):

Ambry Genetics
Classification: Uncertain significance for Inborn genetic diseases. Last evaluated: 2025-03-31. Review status: criteria provided, single submitter. Criteria: Ambry Variant Classification Scheme 2023. Collection method: clinical testing. Allele origin: germline.

Labcorp Genetics (formerly Invitae), Labcorp
Classification: Uncertain significance. Last evaluated: 2025-01-27. Review status: criteria provided, single submitter. Criteria: Invitae Variant Classification Sherloc (09022015). Collection method: clinical testing. Allele origin: germline.
Comment: This sequence change replaces arginine, which is basic and polar, with glycine, which is neutral and non-polar, at codon 455 of the LTBP4 protein (p.Arg455Gly). This variant is present in population databases (rs774856912, gnomAD 0.0009%). This variant has not been reported in the literature in individuals affected with LTBP4-related conditions. ClinVar contains an entry for this variant (Variation ID: 2055605). Experimental studies and prediction algorithms are not available or were not evaluated, and the functional significance of this variant is currently unknown. In summary, the available evidence is currently insufficient to determine the role of this variant in disease. Therefore, it has been classified as a Variant of Uncertain Significance.